The following is an entry in ClinVar:

NM_001042492.3(NF1):c.1275G>T (p.Trp425Cys)

Gene: NF1 (neurofibromin 1; plus strand). Cytogenetic location: 17q11.2.
Variant type: single nucleotide variant.
Coding change: c.1275G>T on transcript NM_001042492.3 (MANE Select); coding-DNA position 1275, G replaced by T.
Protein change: p.Trp425Cys; replaces tryptophan 425 with cysteine.
Molecular consequence: missense variant.
Genome position (GRCh38, 1-based): chr17:31,206,254, G>T. VCF-style: chr17-31206254-G-T. GRCh37 (hg19) VCF-style: chr17-29533272-G-T.
Other names: c.1275G>T, p.Trp425Cys (NM_000267.4, NM_001128147.3); short protein forms W425C.
Identifiers: ClinVar variation 4030947 (VCV004030947.2).

ClinVar aggregate classification (germline): Uncertain significance (1 of 4 stars; one submission).

Conditions:
Hereditary cancer-predisposing syndrome. Also called: Neoplastic Syndromes, Hereditary; Tumor predisposition; Hereditary Cancer Syndrome; Hereditary neoplastic syndrome. Identifiers: Orphanet 140162, MedGen C0027672, MeSH D009386, MONDO:0015356.
Cardiovascular phenotype. Identifiers: MedGen CN230736.

Submission:

Ambry Genetics
Classification: Uncertain significance for Cardiovascular phenotype; Hereditary cancer-predisposing syndrome. Last evaluated: 2026-09-08. Review status: criteria provided, single submitter. Criteria: Ambry Variant Classification Scheme 2023. Collection method: clinical testing. Allele origin: germline.
Comment: The p.W425C variant (also known as c.1275G>T), located in coding exon 12 of the NF1 gene, results from a G to T substitution at nucleotide position 1275. The tryptophan at codon 425 is replaced by cysteine, an amino acid with highly dissimilar properties. This amino acid position is highly conserved in available vertebrate species. In addition, this alteration is predicted to be deleterious by in silico analysis. Based on the available evidence, the clinical significance of this variant remains unclear.